The following is an entry in ClinVar:

ClinVar aggregate classification (germline): Uncertain significance (1 of 4 stars; one submission).

Submission:

GeneDx
Classification: Uncertain significance. Last evaluated: 2022-11-16. Review status: criteria provided, single submitter. Criteria: GeneDx Variant Classification Process June 2021. Collection method: clinical testing. Allele origin: germline. Affected: yes.
Comment: Frameshift variant predicted to result in protein truncation or nonsense mediated decay in a gene or region of a gene for which loss of function is not a well-established mechanism of disease; Not observed at significant frequency in large population cohorts (gnomAD); Has not been previously published as pathogenic or benign to our knowledge

NM_015057.5(MYCBP2):c.3476_3479dup (p.Ala1162fs)

Gene: MYCBP2 (MYC binding protein 2; minus strand). Cytogenetic location: 13q22.3.
Variant type: Duplication.
Coding change: c.3476_3479dup on transcript NM_015057.5 (MANE Select); coding-DNA positions 3476 to 3479, 4 bases duplicated (TTCC; older notation c.3476_3479dupTTCC).
Protein change: p.Ala1162fs; shifts the reading frame from alanine 1162.
Molecular consequence: frameshift variant.
Genome position (GRCh38, 1-based): chr13:77,206,763-77,206,766, GGAA duplicated on the plus strand (TTCC on the coding strand, the reverse complement: MYCBP2 is on the minus strand); duplicating any 4 consecutive bases within chr13:77,206,763-77,206,767 gives the same sequence; the c. name uses the placement nearest the transcript's 3' end. VCF-style (leftmost placement, unchanged base first): chr13-77206762-G-GGGAA. GRCh37 (hg19) VCF-style: chr13-77780897-G-GGGAA.
Other names: short protein forms A1162fs.
Identifiers: ClinVar variation 2502690 (VCV002502690.1), dbSNP rs2549260162, ClinGen allele CA2580614748.